The following is an entry in ClinVar:

NM_001625.4(AK2):c.307C>T (p.Arg103Trp)

Gene: AK2 (adenylate kinase 2; minus strand). Cytogenetic location: 1p35.1.
Variant type: single nucleotide variant.
Coding change: c.307C>T on transcript NM_001625.4 (MANE Select); coding-DNA position 307, C replaced by T.
Protein change: p.Arg103Trp; replaces arginine 103 with tryptophan.
Molecular consequence: missense variant. On other transcripts: non-coding transcript variant (1).
Genome position (GRCh38, 1-based): chr1:33,021,616, G>A on the plus strand (C>T on the coding strand, the complement: AK2 is on the minus strand). VCF-style: chr1-33021616-G-A. GRCh37 (hg19) VCF-style: chr1-33487217-G-A.
Other names: c.307C>T, p.Arg103Trp (NM_001199199.3, NM_001319141.3, NM_001319143.2 and 1 more transcripts); c.163C>T, p.Arg55Trp (NM_001319139.3, NM_001319140.2); c.181C>T, p.Arg61Trp (NM_001319142.3); short protein forms R103W, R55W, R61W.
Identifiers: ClinVar variation 18260 (VCV000018260.8), dbSNP rs267606648, ClinGen allele CA128003.
Genomic context (GRCh38, chr1:33,021,616, plus strand): 5'-TTTCATGCAGTAGTAATATAAAAACTAAGCTACCCACCATTTCTGCCTGCCTCACAGTCC[G>A]AGGGAAGCCATCCAGAAGAAAACCATTTTTGCACAAGGGGGTCTCCAAATTCTTCTCAAT-3'
Protein context (NP_001616.1, residues 93-113): KNGFLLDGFP[Arg103Trp]TVRQAEMLDD

ClinVar aggregate classification (germline): Pathogenic/Likely pathogenic. Review status: criteria provided, multiple submitters, no conflicts (2 of 4 stars). 4 submissions from 4 submitters: Pathogenic (2); Likely pathogenic (1). 1 of the submissions does not count toward it. Last evaluated 2024-11-01.

Conditions:
Severe combined immunodeficiency disease. Also called: Severe combined immunodeficiency; Severe Combined Immune Deficiency. Identifiers: Orphanet 183660, MedGen C0085110, MeSH D016511, MONDO:0015974, HP:0004430. Inheritance: X-Linked or Autosomal recessive.
Reticular dysgenesis. Also called: ALEUKOCYTOSIS; CONGENITAL ALEUKIA; HEMATOPOIETIC HYPOPLASIA, GENERALIZED; RETICULAR DYSGENESIA; SEVERE COMBINED IMMUNODEFICIENCY WITH LEUKOPENIA; DeVaal disease. Identifiers: Orphanet 33355, MedGen C0272167, MONDO:0009973, OMIM 267500.

Allele frequency attached by ClinVar (database versions not stated): TOPMed 0.00002.
gnomAD v4.1: 5 of 1,613,962 alleles (0.00031%); highest among the groups gnomAD compares: East Asian, 0.0022%; no homozygotes.

Submissions (4):

Women's Health and Genetics/Laboratory Corporation of America, LabCorp
Classification: Pathogenic for Severe combined immunodeficiency disease. Last evaluated: 2024-11-01. Review status: criteria provided, single submitter. Criteria: LabCorp Variant Classification Summary - May 2015. Collection method: clinical testing. Allele origin: germline.
Comment: Variant summary: AK2 c.307C>T (p.Arg103Trp) results in a non-conservative amino acid change in the encoded protein sequence. Five of five in-silico tools predict a damaging effect of the variant on protein function. The variant was absent in 251378 control chromosomes (gnomAD). c.307C>T has been reported in the literature in several individuals affected with Severe Combined Immunodeficiency (Lagresle-Peyrou_2009, Hoenig_2017). These data indicate that the variant is very likely to be associated with disease. At least one publication reports experimental evidence evaluating an impact on protein expression, finding that it was markedly reduced in a homozygous patient's fibroblasts (Lagresle-Peyrou_2009). The following publications have been ascertained in the context of this evaluation (PMID: 19043416, 28331055). ClinVar contains an entry for this variant (Variation ID: 18260). Based on the evidence outlined above, the variant was classified as pathogenic.

Labcorp Genetics (formerly Invitae), Labcorp
Classification: Pathogenic for Reticular dysgenesis. Last evaluated: 2024-09-16. Review status: criteria provided, single submitter. Criteria: Invitae Variant Classification Sherloc (09022015). Collection method: clinical testing. Allele origin: germline.
Comment: This sequence change replaces arginine, which is basic and polar, with tryptophan, which is neutral and slightly polar, at codon 103 of the AK2 protein (p.Arg103Trp). This variant is not present in population databases (gnomAD no frequency). This missense change has been observed in individual(s) with reticular dysgenesis (PMID: 19043416, 28331055). ClinVar contains an entry for this variant (Variation ID: 18260). An algorithm developed to predict the effect of missense changes on protein structure and function (PolyPhen-2) suggests that this variant is likely to be disruptive. This variant disrupts the p.Arg103 amino acid residue in AK2. Other variant(s) that disrupt this residue have been observed in individuals with AK2-related conditions (PMID: 19043416, 26997321), which suggests that this may be a clinically significant amino acid residue. For these reasons, this variant has been classified as Pathogenic.

Laboratory for Molecular Medicine, Mass General Brigham Personalized Medicine
Classification: Likely pathogenic for Reticular dysgenesis. Last evaluated: 2018-09-26. Review status: criteria provided, single submitter. Criteria: LMM Criteria. Collection method: clinical testing. Allele origin: germline. Observed: 1 variant allele.
Comment: The p.Arg103Trp variant in AK2 has been reported in the homozygous state in 2 in dividuals and the compound heterozygous state with a nonsense variant in 1 indiv idual with reticular dysgenesis (Lagresle-Peyrou 2009, Hoenig 2017). This varian t was absent from large population studies. In vivo studies, using fibroblasts d erived from one of the affected individuals homozygous for this variant, provide some evidence that the variant reduces expression levels (Lagresle-Peyrou 2009) ; however, these types of assays may not accurately represent biological functio n. Computational prediction tools and conservation analysis suggest that this va riant may impact the protein, though this information is not predictive enough t o determine pathogenicity. In summary, although additional studies are required to fully establish its clinical significance, the p.Arg103Trp variant is likely pathogenic. ACMG/AMP criteria applied: PM2, PM3, PP3, PP4.

OMIM
Classification: Pathogenic for RETICULAR DYSGENESIS. Last evaluated: 2009-01-01. Review status: no assertion criteria provided. Collection method: literature only. Allele origin: germline. Not counted in ClinVar's aggregate classification.

Literature cited by the submitters: PubMed 28331055 (cited by 3 submitters); PubMed 19043416 (cited by 4 submitters); PubMed 26997321 (cited by Labcorp Genetics (formerly Invitae), Labcorp).